The following is an entry in ClinVar:

NM_000321.3(RB1):c.1504A>C (p.Thr502Pro)

Gene: RB1 (RB transcriptional corepressor 1; plus strand). Cytogenetic location: 13q14.2.
Variant type: single nucleotide variant.
Coding change: c.1504A>C on transcript NM_000321.3 (MANE Select); coding-DNA position 1504, A replaced by C.
Protein change: p.Thr502Pro; replaces threonine 502 with proline.
Molecular consequence: missense variant.
Genome position (GRCh38, 1-based): chr13:48,381,252, A>C. VCF-style: chr13-48381252-A-C. GRCh37 (hg19) VCF-style: chr13-48955388-A-C.
Other names: c.1504A>C, p.Thr502Pro (NM_001407165.1, NM_001407166.1); short protein forms T502P.
Identifiers: ClinVar variation 4544071 (VCV004544071.1).

ClinVar aggregate classification (germline): Uncertain significance (1 of 4 stars; one submission).

Conditions:
Hereditary cancer-predisposing syndrome. Also called: Tumor predisposition; Hereditary Cancer Syndrome; Hereditary neoplastic syndrome; Neoplastic Syndromes, Hereditary. Identifiers: Orphanet 140162, MedGen C0027672, MeSH D009386, MONDO:0015356.

Submission:

Ambry Genetics
Classification: Uncertain significance for Hereditary cancer-predisposing syndrome. Last evaluated: 2025-10-25. Review status: criteria provided, single submitter. Criteria: Ambry Variant Classification Scheme 2023. Collection method: clinical testing. Allele origin: germline.
Comment: The p.T502P variant (also known as c.1504A>C), located in coding exon 17 of the RB1 gene, results from an A to C substitution at nucleotide position 1504. The threonine at codon 502 is replaced by proline, an amino acid with highly similar properties. This amino acid position is conserved. In addition, the in silico prediction for this alteration is inconclusive. Based on the available evidence, the clinical significance of this variant remains unclear.